The following is an entry in ClinVar:

NM_004565.3(PEX14):c.311C>T (p.Ser104Phe)

Gene: PEX14 (peroxisomal biogenesis factor 14; plus strand). Cytogenetic location: 1p36.22.
Variant type: single nucleotide variant.
Coding change: c.311C>T on transcript NM_004565.3 (MANE Select); coding-DNA position 311, C replaced by T.
Protein change: p.Ser104Phe; replaces serine 104 with phenylalanine.
Molecular consequence: missense variant.
Genome position (GRCh38, 1-based): chr1:10,618,344, C>T. VCF-style: chr1-10618344-C-T. GRCh37 (hg19) VCF-style: chr1-10678401-C-T.
Other names: short protein forms S104F.
Identifiers: ClinVar variation 1024216 (VCV001024216.7), dbSNP rs756523143, ClinGen allele CA583798.

ClinVar aggregate classification (germline): Uncertain significance (1 of 4 stars; one submission).

Conditions:
Peroxisome biogenesis disorder, complementation group K (CGK). Identifiers: MedGen C1866257, MONDO:0800365.

Allele frequency attached by ClinVar (database versions not stated): ExAC 0.00001; gnomAD exomes 0.00001; TOPMed 0.00001.
gnomAD v4.1: 8 of 1,613,880 alleles (0.0005%); highest among the groups gnomAD compares: East Asian, 0.0022%; no homozygotes.

Submission:

Labcorp Genetics (formerly Invitae), Labcorp
Classification: Uncertain significance for Peroxisome biogenesis disorder, complementation group K. Last evaluated: 2021-05-26. Review status: criteria provided, single submitter. Criteria: Invitae Variant Classification Sherloc (09022015). Collection method: clinical testing. Allele origin: germline.
Comment: In summary, the available evidence is currently insufficient to determine the role of this variant in disease. Therefore, it has been classified as a Variant of Uncertain Significance. Algorithms developed to predict the effect of missense changes on protein structure and function are either unavailable or do not agree on the potential impact of this missense change (SIFT: "Tolerated"; PolyPhen-2: "Probably Damaging"; Align-GVGD: "Class C0"). This variant has not been reported in the literature in individuals with PEX14-related conditions. This variant is present in population databases (rs756523143, ExAC 0.01%). This sequence change replaces serine with phenylalanine at codon 104 of the PEX14 protein (p.Ser104Phe). The serine residue is moderately conserved and there is a large physicochemical difference between serine and phenylalanine.